The following is an entry in ClinVar:

ClinVar aggregate classification (germline): Uncertain significance. Review status: criteria provided, multiple submitters, no conflicts (2 of 4 stars). 3 submissions from 3 submitters: Uncertain significance (3). Last evaluated 2025-12-19.

Conditions:
Inborn genetic diseases. Identifiers: MedGen C0950123, MeSH D030342.
PLEC-related disorder. Also called: PLEC-related disorders; PLEC-related condition.
Epidermolysis bullosa simplex, Ogna type (EBS5A). Also called: Pidermolysis bullosa simplex 5A, Ogna type; EPIDERMOLYSIS BULLOSA SIMPLEX 5A, OGNA TYPE. Identifiers: Orphanet 79401, MedGen C0432317, MONDO:0007555, OMIM 131950.
Epidermolysis bullosa simplex 5B, with muscular dystrophy (EBS5B). Also called: Epidermolysis bullosa simplex with muscular dystrophy; EPIDERMOLYSIS BULLOSA SIMPLEX AND LIMB-GIRDLE MUSCULAR DYSTROPHY. Identifiers: Orphanet 257, MedGen C2931072, MONDO:0009181, OMIM 226670.
Epidermolysis bullosa simplex with nail dystrophy (EBS5D). Identifiers: MedGen C4225309, MONDO:0014661, OMIM 616487.
Autosomal recessive limb-girdle muscular dystrophy type 2Q (LGMDR17). Also called: MUSCULAR DYSTROPHY, LIMB-GIRDLE, AUTOSOMAL RECESSIVE 17. Identifiers: Orphanet 254361, MedGen C3150989, MONDO:0013390, OMIM 613723.
Epidermolysis bullosa simplex 5C, with pyloric atresia (EBS5C). Also called: PLEC-Related Epidermolysis Bullosa with Pyloric Atresia; Epidermolysis bullosa simplex with pyloric atresia; PLEC1-Related Epidermolysis Bullosa with Pyloric Atresia. Identifiers: Orphanet 158684, MedGen C2677349, MONDO:0012807, OMIM 612138.

Allele frequency attached by ClinVar (database versions not stated): 1000 Genomes Project 30x 0.00016; 1000 Genomes Project 0.00020.
gnomAD v4.1: 11 of 1,613,184 alleles (0.00068%); highest among the groups gnomAD compares: East Asian, 0.025%; no homozygotes.

Submissions (3):

PreventionGenetics, part of Exact Sciences
Classification: Uncertain significance for PLEC-related condition. Last evaluated: 2025-12-19. Review status: criteria provided, single submitter. Criteria: ACMG Guidelines, 2015. Collection method: clinical testing. Allele origin: germline.
Comment: The PLEC c.11080C>G variant is predicted to result in the amino acid substitution p.Arg3694Gly. To our knowledge, this variant has not been reported in the literature. This variant is reported in 0.039% of alleles in individuals of East Asian descent in gnomAD. At this time, the clinical significance of this variant is uncertain due to the absence of conclusive functional and genetic evidence.

Labcorp Genetics (formerly Invitae), Labcorp
Classification: Uncertain significance for Autosomal recessive limb-girdle muscular dystrophy type 2Q; Epidermolysis bullosa simplex, Ogna type; Epidermolysis bullosa simplex with nail dystrophy; Epidermolysis bullosa simplex 5C, with pyloric atresia; Epidermolysis bullosa simplex 5B, with muscular dystrophy. Last evaluated: 2025-08-07. Review status: criteria provided, single submitter. Criteria: Invitae Variant Classification Sherloc (09022015). Collection method: clinical testing. Allele origin: germline.
Comment: This sequence change replaces arginine, which is basic and polar, with glycine, which is neutral and non-polar, at codon 3694 of the PLEC protein (p.Arg3694Gly). This variant is present in population databases (rs373318830, gnomAD 0.04%). This variant has not been reported in the literature in individuals affected with PLEC-related conditions. ClinVar contains an entry for this variant (Variation ID: 538992). An algorithm developed to predict the effect of missense changes on protein structure and function (PolyPhen-2) suggests that this variant is likely to be disruptive. In summary, the available evidence is currently insufficient to determine the role of this variant in disease. Therefore, it has been classified as a Variant of Uncertain Significance.

Ambry Genetics
Classification: Uncertain significance for Inborn genetic diseases. Last evaluated: 2024-03-31. Review status: criteria provided, single submitter. Criteria: Ambry Variant Classification Scheme 2023. Collection method: clinical testing. Allele origin: germline.

NM_201384.3(PLEC):c.10999C>G (p.Arg3667Gly)

Gene: PLEC (plectin; minus strand). Cytogenetic location: 8q24.3.
Variant type: single nucleotide variant.
Coding change: c.10999C>G on transcript NM_201384.3 (MANE Select); coding-DNA position 10999, C replaced by G.
Protein change: p.Arg3667Gly; replaces arginine 3667 with glycine.
Molecular consequence: missense variant.
Genome position (GRCh38, 1-based): chr8:143,918,822, G>C on the plus strand (C>G on the coding strand, the complement: PLEC is on the minus strand). VCF-style: chr8-143918822-G-C. GRCh37 (hg19) VCF-style: chr8-144992990-G-C.
Other names: c.11080C>G (NM_000445.3); c.11080C>G, p.Arg3694Gly (NM_000445.5); c.10957C>G, p.Arg3653Gly (NM_201378.4); c.10933C>G, p.Arg3645Gly (NM_201379.3); c.11410C>G, p.Arg3804Gly (NM_201380.4); c.10903C>G, p.Arg3635Gly (NM_201381.3); c.10999C>G, p.Arg3667Gly (NM_201382.4); c.11011C>G, p.Arg3671Gly (NM_201383.3); short protein forms R3653G, R3667G, R3694G, R3635G, R3671G, R3645G, R3804G.
Identifiers: ClinVar variation 538992 (VCV000538992.9), dbSNP rs373318830, ClinGen allele CA4924467.